The following is an entry in ClinVar:

NM_001378156.1(C1QB):c.376A>G (p.Arg126Gly)

Gene: C1QB (complement C1q B chain; plus strand). Cytogenetic location: 1p36.12.
Variant type: single nucleotide variant.
Coding change: c.376A>G on transcript NM_001378156.1 (MANE Select); coding-DNA position 376, A replaced by G.
Protein change: p.Arg126Gly; replaces arginine 126 with glycine.
Molecular consequence: missense variant.
Genome position (GRCh38, 1-based): chr1:22,661,006, A>G. VCF-style: chr1-22661006-A-G. GRCh37 (hg19) VCF-style: chr1-22987499-A-G.
Other names: c.382A>G, p.Arg128Gly (NM_000491.5); c.376A>G, p.Arg126Gly (NM_001371184.3); short protein forms R126G, R128G.
Identifiers: ClinVar variation 2637018 (VCV002637018.1), dbSNP rs2522286150, ClinGen allele CA338947070.

ClinVar aggregate classification (germline): Uncertain significance (1 of 4 stars; one submission).

Conditions:
C1QB-related disorder. Also called: C1QB-related condition.

Submission:

PreventionGenetics, part of Exact Sciences
Classification: Uncertain significance for C1QB-related condition. Last evaluated: 2022-09-12. Review status: criteria provided, single submitter. Criteria: ACMG Guidelines, 2015. Collection method: clinical testing. Allele origin: germline.
Comment: The C1QB c.382A>G variant is predicted to result in the amino acid substitution p.Arg128Gly. To our knowledge, this variant has not been reported in the literature or in a large population database, indicating this variant is rare. At this time, the clinical significance of this variant is uncertain due to the absence of conclusive functional and genetic evidence.